The following is an entry in ClinVar:

NM_000081.4(LYST):c.10060A>G (p.Ile3354Val)

Genes: LYST (lysosomal trafficking regulator; minus strand), LOC126806063 (MED14-independent group 3 enhancer GRCh37_chr1:235871544-235872743; plus strand). Cytogenetic location: 1q42.3.
Variant type: single nucleotide variant.
Coding change: c.10060A>G on transcript NM_000081.4 (MANE Select); coding-DNA position 10060, A replaced by G.
Protein change: p.Ile3354Val; replaces isoleucine 3354 with valine.
Molecular consequence: missense variant.
Genome position (GRCh38, 1-based): chr1:235,709,174, T>C on the plus strand (A>G on the coding strand, the complement: LYST is on the minus strand). VCF-style: chr1-235709174-T-C. GRCh37 (hg19) VCF-style: chr1-235872474-T-C.
Other names: c.10060A>G, p.Ile3354Val (NM_001301365.1); short protein forms I3354V.
Identifiers: ClinVar variation 2104357 (VCV002104357.2), dbSNP rs929805461, ClinGen allele CA39595096.
Genomic context (GRCh38, chr1:235,709,174, plus strand): 5'-CTTGAACAGAAGCCTTCCCCTTTTGCTTATACCCAAACACCAAGTCAATCCACTGACAGA[T>C]GTTCTGCGACACGTAGTCAGACTCTAGAGCCTGCCGATGGATGAGGATAAAAAGACGAGG-3'
Protein context (NP_000072.2, residues 3344-3364): ALESDYVSQN[Ile3354Val]CQWIDLVFGY

ClinVar aggregate classification (germline): Uncertain significance (1 of 4 stars; one submission).

Conditions:
Chédiak-Higashi syndrome (CHS). Also called: Chediak-Higashi Syndrome. Identifiers: Orphanet 167, MedGen C0007965, MONDO:0008963, OMIM 214500.

Allele frequency attached by ClinVar (database versions not stated): TOPMed below 0.00001.

Submission:

Labcorp Genetics (formerly Invitae), Labcorp
Classification: Uncertain significance for Chédiak-Higashi syndrome. Last evaluated: 2026-01-07. Review status: criteria provided, single submitter. Criteria: Invitae Variant Classification Sherloc (09022015). Collection method: clinical testing. Allele origin: germline.
Comment: This sequence change replaces isoleucine, which is neutral and non-polar, with valine, which is neutral and non-polar, at codon 3354 of the LYST protein (p.Ile3354Val). This variant is not present in population databases (gnomAD no frequency). This variant has not been reported in the literature in individuals affected with LYST-related conditions. ClinVar contains an entry for this variant (Variation ID: 2104357). Invitae Evidence Modeling of protein sequence and biophysical properties (such as structural, functional, and spatial information, amino acid conservation, physicochemical variation, residue mobility, and thermodynamic stability) indicates that this missense variant is expected to disrupt LYST protein function with a positive predictive value of 80%. In summary, the available evidence is currently insufficient to determine the role of this variant in disease. Therefore, it has been classified as a Variant of Uncertain Significance.